The following is an entry in ClinVar:

NM_003239.5(TGFB3):c.1127C>T (p.Pro376Leu)

Gene: TGFB3 (transforming growth factor beta 3; minus strand). Cytogenetic location: 14q24.3.
Variant type: single nucleotide variant.
Coding change: c.1127C>T on transcript NM_003239.5 (MANE Select); coding-DNA position 1127, C replaced by T.
Protein change: p.Pro376Leu; replaces proline 376 with leucine.
Molecular consequence: missense variant.
Genome position (GRCh38, 1-based): chr14:75,959,299, G>A on the plus strand (C>T on the coding strand, the complement: TGFB3 is on the minus strand). VCF-style: chr14-75959299-G-A. GRCh37 (hg19) VCF-style: chr14-76425642-G-A.
Other names: c.1127C>T, p.Pro376Leu (NM_001329939.2); short protein forms P376L.
Identifiers: ClinVar variation 963023 (VCV000963023.10), dbSNP rs1446755738, ClinGen allele CA390467196.

ClinVar aggregate classification (germline): Uncertain significance (1 of 4 stars; one submission).

Conditions:
Rienhoff syndrome. Also called: LOEYS-DIETZ SYNDROME 5. Identifiers: MedGen C3810012, MONDO:0014262, OMIM 615582.

Allele frequency attached by ClinVar (database versions not stated): TOPMed 0.00001.
gnomAD v4.1: 2 of 1,614,206 alleles (0.00012%); highest among the groups gnomAD compares: Non-Finnish European, 0.00017%; no homozygotes.

Submission:

Labcorp Genetics (formerly Invitae), Labcorp
Classification: Uncertain significance for Rienhoff syndrome. Last evaluated: 2019-09-06. Review status: criteria provided, single submitter. Criteria: Invitae Variant Classification Sherloc (09022015). Collection method: clinical testing. Allele origin: germline.
Comment: In summary, the available evidence is currently insufficient to determine the role of this variant in disease. Therefore, it has been classified as a Variant of Uncertain Significance. Algorithms developed to predict the effect of missense changes on protein structure and function are either unavailable or do not agree on the potential impact of this missense change (SIFT: "Deleterious"; PolyPhen-2: "Probably Damaging"; Align-GVGD: "Class C0"). This sequence change replaces proline with leucine at codon 376 of the TGFB3 protein (p.Pro376Leu). The proline residue is highly conserved and there is a moderate physicochemical difference between proline and leucine. This variant is not present in population databases (ExAC no frequency). This variant has not been reported in the literature in individuals with TGFB3-related conditions.